The following is an entry in ClinVar:

NM_000350.3(ABCA4):c.1320C>A (p.Tyr440Ter)

Gene: ABCA4 (ATP binding cassette subfamily A member 4; minus strand). Cytogenetic location: 1p22.1.
Variant type: single nucleotide variant.
Coding change: c.1320C>A on transcript NM_000350.3 (MANE Select); coding-DNA position 1320, C replaced by A.
Protein change: p.Tyr440Ter; replaces tyrosine 440 with a stop codon.
Molecular consequence: nonsense.
Genome position (GRCh38, 1-based): chr1:94,078,626, G>T on the plus strand (C>A on the coding strand, the complement: ABCA4 is on the minus strand). VCF-style: chr1-94078626-G-T. GRCh37 (hg19) VCF-style: chr1-94544182-G-T.
Other names: c.1320C>A, p.Tyr440Ter (NM_001425324.1); short protein forms Y440*.
Identifiers: ClinVar variation 2709585 (VCV002709585.3), dbSNP rs2523894863, ClinGen allele CA341282327.

ClinVar aggregate classification (germline): Pathogenic (1 of 4 stars; one submission).

Submission:

Labcorp Genetics (formerly Invitae), Labcorp
Classification: Pathogenic. Last evaluated: 2024-01-16. Review status: criteria provided, single submitter. Criteria: Invitae Variant Classification Sherloc (09022015). Collection method: clinical testing. Allele origin: germline.
Comment: This sequence change creates a premature translational stop signal (p.Tyr440*) in the ABCA4 gene. It is expected to result in an absent or disrupted protein product. Loss-of-function variants in ABCA4 are known to be pathogenic (PMID: 10958761, 24938718, 25312043, 26780318). This variant is not present in population databases (gnomAD no frequency). This variant has not been reported in the literature in individuals affected with ABCA4-related conditions. Algorithms developed to predict the effect of sequence changes on RNA splicing suggest that this variant may disrupt the consensus splice site. For these reasons, this variant has been classified as Pathogenic.

Literature cited by the submitters: PubMed 10958761; PubMed 24938718; PubMed 25312043; PubMed 26780318.